The following is an entry in ClinVar:

ClinVar aggregate classification (germline): Uncertain significance (1 of 4 stars; one submission).

Conditions:
Charcot-Marie-Tooth disease type 4. Also called: Charcot-Marie-Tooth disease, type IV; Charcot-Marie-Tooth, Type 4. Identifiers: Orphanet 64749, MedGen C4082197, MONDO:0018995.

Submission:

Labcorp Genetics (formerly Invitae), Labcorp
Classification: Uncertain significance for Charcot-Marie-Tooth disease type 4. Last evaluated: 2020-12-23. Review status: criteria provided, single submitter. Criteria: Invitae Variant Classification Sherloc (09022015). Collection method: clinical testing. Allele origin: germline.
Comment: Algorithms developed to predict the effect of missense changes on protein structure and function are either unavailable or do not agree on the potential impact of this missense change (SIFT: "Deleterious"; PolyPhen-2: "Possibly Damaging"; Align-GVGD: "Class C0"). This variant has not been reported in the literature in individuals with PRX-related conditions. This variant is not present in population databases (ExAC no frequency). This sequence change replaces valine with phenylalanine at codon 156 of the PRX protein (p.Val156Phe). The valine residue is highly conserved and there is a small physicochemical difference between valine and phenylalanine. In summary, the available evidence is currently insufficient to determine the role of this variant in disease. Therefore, it has been classified as a Variant of Uncertain Significance.

NM_181882.3(PRX):c.466G>T (p.Val156Phe)

Gene: PRX (periaxin; minus strand). Cytogenetic location: 19q13.2.
Variant type: single nucleotide variant.
Coding change: c.466G>T on transcript NM_181882.3 (MANE Select); coding-DNA position 466, G replaced by T.
Protein change: p.Val156Phe; replaces valine 156 with phenylalanine.
Molecular consequence: missense variant. On other transcripts: 3 prime UTR variant (1).
Genome position (GRCh38, 1-based): chr19:40,397,886, C>A on the plus strand (G>T on the coding strand, the complement: PRX is on the minus strand). VCF-style: chr19-40397886-C-A. GRCh37 (hg19) VCF-style: chr19-40903793-C-A.
Other names: c.*671G>T (NM_020956.2); short protein forms V156F.
Identifiers: ClinVar variation 1496678 (VCV001496678.8), dbSNP rs562267802, ClinGen allele CA405900514.